The following is an entry in ClinVar:

NM_199420.4(POLQ):c.6238T>C (p.Ser2080Pro)

Gene: POLQ (DNA polymerase theta; minus strand). Cytogenetic location: 3q13.33.
Variant type: single nucleotide variant.
Coding change: c.6238T>C on transcript NM_199420.4 (MANE Select); coding-DNA position 6238, T replaced by C.
Protein change: p.Ser2080Pro; replaces serine 2080 with proline.
Molecular consequence: missense variant.
Genome position (GRCh38, 1-based): chr3:121,476,707, A>G on the plus strand (T>C on the coding strand, the complement: POLQ is on the minus strand). VCF-style: chr3-121476707-A-G. GRCh37 (hg19) VCF-style: chr3-121195554-A-G.
Other names: short protein forms S2080P.
Identifiers: ClinVar variation 3422462 (VCV003422462.1).

ClinVar aggregate classification (germline): Uncertain significance (1 of 4 stars; one submission).

Submission:

Ambry Genetics
Classification: Uncertain significance. Last evaluated: 2024-07-18. Review status: criteria provided, single submitter. Criteria: Ambry Variant Classification Scheme 2023. Collection method: clinical testing. Allele origin: germline.
Comment: The p.S2080P variant (also known as c.6238T>C), located in coding exon 20 of the POLQ gene, results from a T to C substitution at nucleotide position 6238. The serine at codon 2080 is replaced by proline, an amino acid with similar properties. This amino acid position is conserved. In addition, the in silico prediction for this alteration is inconclusive. Based on the available evidence, the clinical significance of this variant remains unclear.